The following is an entry in ClinVar:

NM_032447.5(FBN3):c.8164C>T (p.Arg2722Cys)

Gene: FBN3 (fibrillin 3; minus strand). Cytogenetic location: 19p13.2.
Variant type: single nucleotide variant.
Coding change: c.8164C>T on transcript NM_032447.5 (MANE Select); coding-DNA position 8164, C replaced by T.
Protein change: p.Arg2722Cys; replaces arginine 2722 with cysteine.
Molecular consequence: missense variant.
Genome position (GRCh38, 1-based): chr19:8,066,185, G>A on the plus strand (C>T on the coding strand, the complement: FBN3 is on the minus strand). VCF-style: chr19-8066185-G-A. GRCh37 (hg19) VCF-style: chr19-8131069-G-A.
Other names: c.8164C>T, p.Arg2722Cys (NM_001321431.2); short protein forms R2722C.
Identifiers: ClinVar variation 3093408 (VCV003093408.2), dbSNP rs200637796, ClinGen allele CA9150617.
Genomic context (GRCh38, chr19:8,066,185, plus strand): 5'-CGATGACGTAGCGGATCCGGCCCTCTAGACCCTCCAGGGCCGGCCGGAGCTCCAGGATGC[G>A]CTCGGCCCGGCCCAGGTGTGAGAGGTTCAGGCCCAAGGTCAGCAGGGCCTCGGAGTCAAG-3'
Protein context (NP_115823.3, residues 2712-2732): LNLSHLGRAE[Arg2722Cys]ILELRPALEG

ClinVar aggregate classification (germline): Uncertain significance. Review status: criteria provided, multiple submitters, no conflicts (2 of 4 stars). 2 submissions from 2 submitters: Uncertain significance (2). Last evaluated 2025-10-06.

Allele frequency attached by ClinVar (database versions not stated): ExAC 0.00003; gnomAD 0.00003; TOPMed 0.00003; ESP Exome Variant Server 0.00015.

Submissions (2):

Labcorp Genetics (formerly Invitae), Labcorp
Classification: Uncertain significance. Last evaluated: 2025-10-06. Review status: criteria provided, single submitter. Criteria: Invitae Variant Classification Sherloc (09022015). Collection method: clinical testing. Allele origin: germline.
Comment: This sequence change replaces arginine, which is basic and polar, with cysteine, which is neutral and slightly polar, at codon 2722 of the FBN3 protein (p.Arg2722Cys). This variant is present in population databases (rs200637796, gnomAD 0.005%). This variant has not been reported in the literature in individuals affected with FBN3-related conditions. ClinVar contains an entry for this variant (Variation ID: 3093408). Invitae Evidence Modeling of protein sequence and biophysical properties (such as structural, functional, and spatial information, amino acid conservation, physicochemical variation, residue mobility, and thermodynamic stability) has been performed for this missense variant. However, the output from this modeling did not meet the statistical confidence thresholds required to predict the impact of this variant on FBN3 protein function. In summary, the available evidence is currently insufficient to determine the role of this variant in disease. Therefore, it has been classified as a Variant of Uncertain Significance.

Ambry Genetics
Classification: Uncertain significance. Last evaluated: 2023-12-16. Review status: criteria provided, single submitter. Criteria: Ambry Variant Classification Scheme 2023. Collection method: clinical testing. Allele origin: germline.